The following is an entry in ClinVar:

NM_005154.5(USP8):c.808A>G (p.Ile270Val)

Gene: USP8 (ubiquitin specific peptidase 8; plus strand). Cytogenetic location: 15q21.2.
Variant type: single nucleotide variant.
Coding change: c.808A>G on transcript NM_005154.5 (MANE Select); coding-DNA position 808, A replaced by G.
Protein change: p.Ile270Val; replaces isoleucine 270 with valine.
Molecular consequence: missense variant.
Genome position (GRCh38, 1-based): chr15:50,471,754, A>G. VCF-style: chr15-50471754-A-G. GRCh37 (hg19) VCF-style: chr15-50763951-A-G.
Other names: c.808A>G, p.Ile270Val (NM_001128610.3); c.577A>G, p.Ile193Val (NM_001283049.2); short protein forms I193V, I270V.
Identifiers: ClinVar variation 2722597 (VCV002722597.3), dbSNP rs1052363268, ClinGen allele CA270486030.

ClinVar aggregate classification (germline): Uncertain significance (1 of 4 stars; one submission).

Conditions:
Hereditary spastic paraplegia. Also called: Familial spastic paraparesis. Identifiers: Orphanet 685, MedGen C0037773, MONDO:0019064. Disease mechanism: loss of function.

Allele frequency attached by ClinVar (database versions not stated): gnomAD exomes below 0.00001.
gnomAD v4.1: 5 of 1,614,080 alleles (0.00031%); highest among the groups gnomAD compares: South Asian, 0.0011%; no homozygotes.

Submission:

Labcorp Genetics (formerly Invitae), Labcorp
Classification: Uncertain significance for Hereditary spastic paraplegia. Last evaluated: 2025-03-17. Review status: criteria provided, single submitter. Criteria: Invitae Variant Classification Sherloc (09022015). Collection method: clinical testing. Allele origin: germline.
Comment: This sequence change replaces isoleucine, which is neutral and non-polar, with valine, which is neutral and non-polar, at codon 270 of the USP8 protein (p.Ile270Val). This variant is not present in population databases (gnomAD no frequency). This variant has not been reported in the literature in individuals affected with USP8-related conditions. ClinVar contains an entry for this variant (Variation ID: 2722597). An algorithm developed to predict the effect of missense changes on protein structure and function (PolyPhen-2) suggests that this variant is likely to be tolerated. In summary, the available evidence is currently insufficient to determine the role of this variant in disease. Therefore, it has been classified as a Variant of Uncertain Significance.